The following is an entry in ClinVar:

ClinVar aggregate classification (germline): Uncertain significance (1 of 4 stars; one submission).

Conditions:
Inborn genetic diseases. Identifiers: MedGen C0950123, MeSH D030342.

Submission:

Ambry Genetics
Classification: Uncertain significance for Inborn genetic diseases. Last evaluated: 2022-06-29. Review status: criteria provided, single submitter. Criteria: Ambry Variant Classification Scheme 2023. Collection method: clinical testing. Allele origin: germline.
Comment: The p.Q2064H variant (also known as c.6192A>C), located in coding exon 14 of the SETX gene, results from an A to C substitution at nucleotide position 6192. The glutamine at codon 2064 is replaced by histidine, an amino acid with highly similar properties. This amino acid position is conserved. In addition, the in silico prediction for this alteration is inconclusive. Since supporting evidence is limited at this time, the clinical significance of this alteration remains unclear.

NM_015046.7(SETX):c.6192A>C (p.Gln2064His)

Gene: SETX (senataxin; minus strand). Cytogenetic location: 9q34.13.
Variant type: single nucleotide variant.
Coding change: c.6192A>C on transcript NM_015046.7 (MANE Select); coding-DNA position 6192, A replaced by C.
Protein change: p.Gln2064His; replaces glutamine 2064 with histidine.
Molecular consequence: missense variant.
Genome position (GRCh38, 1-based): chr9:132,288,566, T>G on the plus strand (A>C on the coding strand, the complement: SETX is on the minus strand). VCF-style: chr9-132288566-T-G. GRCh37 (hg19) VCF-style: chr9-135163953-T-G.
Other names: c.6192A>C, p.Gln2064His (NM_001351527.2, NM_001351528.2); short protein forms Q2064H.
Identifiers: ClinVar variation 1752123 (VCV001752123.2), dbSNP rs972092712, ClinGen allele CA375338741.
Genomic context (GRCh38, chr9:132,288,566, plus strand): 5'-ACAAAACAGAGAAAACACTAGTATATACCACATTCAGTACTTACTCATTCTGTGGTTTAC[T>G]TGGCTGTCCAAACTGAACTTTAGAACCTCACTATTAATAGACTTTTCTGGACCCAGTCGT-3'
Protein context (NP_055861.3, residues 2054-2074): SEVLKFSLDS[Gln2064His]VNHRMKKELP